The following is an entry in ClinVar:

NM_007363.5(NONO):c.880G>C (p.Glu294Gln)

Gene: NONO (non-POU domain containing octamer binding; plus strand). Cytogenetic location: Xq13.1.
Variant type: single nucleotide variant.
Coding change: c.880G>C on transcript NM_007363.5 (MANE Select); coding-DNA position 880, G replaced by C.
Protein change: p.Glu294Gln; replaces glutamic acid 294 with glutamine.
Molecular consequence: missense variant.
Genome position (GRCh38, 1-based): chrX:71,296,984, G>C. VCF-style: chrX-71296984-G-C. GRCh37 (hg19) VCF-style: chrX-70516834-G-C.
Other names: c.880G>C, p.Glu294Gln (NM_001145408.2, NM_001145409.2); c.613G>C, p.Glu205Gln (NM_001145410.2); short protein forms E205Q, E294Q.
Identifiers: ClinVar variation 1314743 (VCV001314743.2), dbSNP rs2148038877, ClinGen allele CA413544927.

ClinVar aggregate classification (germline): Uncertain significance (1 of 4 stars; one submission).

Submission:

GeneDx
Classification: Uncertain significance. Last evaluated: 2021-04-22. Review status: criteria provided, single submitter. Criteria: GeneDx Variant Classification Process June 2021. Collection method: clinical testing. Allele origin: germline. Affected: yes.
Comment: Not observed in large population cohorts (Lek et al., 2016); In silico analysis supports that this missense variant does not alter protein structure/function; Has not been previously published as pathogenic or benign to our knowledge